The following is an entry in ClinVar:

ClinVar aggregate classification (germline): Benign/Likely benign. Review status: criteria provided, multiple submitters, no conflicts (2 of 4 stars). 3 submissions from 3 submitters: Benign (2); Likely benign (1). Last evaluated 2026-08-01.

Allele frequency attached by ClinVar (database versions not stated): 1000 Genomes Project 30x 0.00031; 1000 Genomes Project 0.00040; TOPMed 0.00343; gnomAD 0.00356 and 0.00367; ESP Exome Variant Server 0.00369.
gnomAD v4.1: 8,562 of 1,613,992 alleles (0.53%); highest among the groups gnomAD compares: Non-Finnish European, 0.68%; 33 homozygotes.

Submissions (3):

CeGaT Center for Human Genetics Tuebingen
Classification: Likely benign. Last evaluated: 2026-08-01. Review status: criteria provided, single submitter. Criteria: CeGaT Center For Human Genetics Tuebingen Variant Classification Criteria Version 2. Collection method: clinical testing. Allele origin: germline. Affected: yes. Observed: 1 variant allele.
Comment: KIF15: BP4, BS2

Labcorp Genetics (formerly Invitae), Labcorp
Classification: Benign. Last evaluated: 2019-12-31. Review status: criteria provided, single submitter. Criteria: Invitae Variant Classification Sherloc (09022015). Collection method: clinical testing. Allele origin: germline.

Breakthrough Genomics
Classification: Benign. Review status: criteria provided, single submitter. Criteria: ACMG Guidelines, 2015. Collection method: not provided. Allele origin: germline. Inheritance: Autosomal recessive inheritance. Affected: yes.

NM_020242.3(KIF15):c.3248C>T (p.Ser1083Leu)

Gene: KIF15 (kinesin family member 15; plus strand). Cytogenetic location: 3p21.31.
Variant type: single nucleotide variant.
Coding change: c.3248C>T on transcript NM_020242.3 (MANE Select); coding-DNA position 3248, C replaced by T.
Protein change: p.Ser1083Leu; replaces serine 1083 with leucine.
Molecular consequence: missense variant.
Genome position (GRCh38, 1-based): chr3:44,838,351, C>T. VCF-style: chr3-44838351-C-T. GRCh37 (hg19) VCF-style: chr3-44879843-C-T.
Other names: short protein forms S1083L.
Identifiers: ClinVar variation 774841 (VCV000774841.6), dbSNP rs138611262, ClinGen allele CA2346555.